The following is an entry in ClinVar:

NM_024306.5(FA2H):c.162_171dup (p.Ile58fs)

Genes: FA2H (fatty acid 2-hydroxylase; minus strand), LOC130059394 (ATAC-STARR-seq lymphoblastoid silent region 7701; plus strand). Cytogenetic location: 16q23.1.
Variant type: Duplication.
Coding change: c.162_171dup on transcript NM_024306.5 (MANE Select); coding-DNA positions 162 to 171, 10 bases duplicated (GGGCCAGGAC; older notation c.162_171dupGGGCCAGGAC).
Protein change: p.Ile58fs; shifts the reading frame from isoleucine 58.
Molecular consequence: frameshift variant.
Genome position (GRCh38, 1-based): chr16:74,774,585-74,774,594, GTCCTGGCCC duplicated on the plus strand (GGGCCAGGAC on the coding strand, the reverse complement: FA2H is on the minus strand); duplicating any 10 consecutive bases within chr16:74,774,585-74,774,595 gives the same sequence; the c. name uses the placement nearest the transcript's 3' end. VCF-style (leftmost placement, unchanged base first): chr16-74774584-T-TGTCCTGGCCC. GRCh37 (hg19) VCF-style: chr16-74808482-T-TGTCCTGGCCC.
Other names: short protein forms I58fs.
Identifiers: ClinVar variation 2873411 (VCV002873411.3), dbSNP rs2544384375, ClinGen allele CA2739266892.

ClinVar aggregate classification (germline): Pathogenic (1 of 4 stars; one submission).

Conditions:
Spastic paraplegia. Identifiers: MedGen C0037772, HP:0001258.

Submission:

Labcorp Genetics (formerly Invitae), Labcorp
Classification: Pathogenic for Spastic paraplegia. Last evaluated: 2024-01-26. Review status: criteria provided, single submitter. Criteria: Invitae Variant Classification Sherloc (09022015). Collection method: clinical testing. Allele origin: germline.
Comment: This sequence change creates a premature translational stop signal (p.Ile58Glyfs*47) in the FA2H gene. It is expected to result in an absent or disrupted protein product. Loss-of-function variants in FA2H are known to be pathogenic (PMID: 20853438, 25496456, 25732363, 26344562). This variant is not present in population databases (gnomAD no frequency). This variant has not been reported in the literature in individuals affected with FA2H-related conditions. For these reasons, this variant has been classified as Pathogenic.

Literature cited by the submitters: PubMed 20853438; PubMed 25496456; PubMed 25732363; PubMed 26344562.